The following is an entry in ClinVar:

NM_019098.5(CNGB3):c.1480+2T>C

Gene: CNGB3 (cyclic nucleotide gated channel subunit beta 3; minus strand). Cytogenetic location: 8q21.3.
Variant type: single nucleotide variant.
Coding change: c.1480+2T>C on transcript NM_019098.5 (MANE Select); the canonical splice donor site of the intron after coding-DNA position 1480, T replaced by C.
Molecular consequence: splice donor variant.
Genome position (GRCh38, 1-based): chr8:86,628,917, A>G on the plus strand (T>C on the coding strand, the complement: CNGB3 is on the minus strand). VCF-style: chr8-86628917-A-G. GRCh37 (hg19) VCF-style: chr8-87641145-A-G.
Identifiers: ClinVar variation 2832044 (VCV002832044.3), dbSNP rs2538082411, ClinGen allele CA371443012.

ClinVar aggregate classification (germline): Likely pathogenic (1 of 4 stars; one submission).

Allele frequency attached by ClinVar (database versions not stated): gnomAD exomes below 0.00001.
gnomAD v4.1: 1 of 1,613,826 alleles (0.000062%); highest among the groups gnomAD compares: African/African-American, 0.0013%; no homozygotes.

Submission:

Labcorp Genetics (formerly Invitae), Labcorp
Classification: Likely pathogenic. Last evaluated: 2023-01-26. Review status: criteria provided, single submitter. Criteria: Invitae Variant Classification Sherloc (09022015). Collection method: clinical testing. Allele origin: germline.
Comment: This sequence change affects a donor splice site in intron 12 of the CNGB3 gene. It is expected to disrupt RNA splicing. Variants that disrupt the donor or acceptor splice site typically lead to a loss of protein function (PMID: 16199547), and loss-of-function variants in CNGB3 are known to be pathogenic (PMID: 28795510). This variant is not present in population databases (gnomAD no frequency). This variant has not been reported in the literature in individuals affected with CNGB3-related conditions. Algorithms developed to predict the effect of sequence changes on RNA splicing suggest that this variant may disrupt the consensus splice site. In summary, the currently available evidence indicates that the variant is pathogenic, but additional data are needed to prove that conclusively. Therefore, this variant has been classified as Likely Pathogenic.

Literature cited by the submitters: PubMed 16199547; PubMed 28795510.